The following is an entry in ClinVar:

NM_001085487.3(MYSM1):c.508G>A (p.Gly170Ser)

Gene: MYSM1 (Myb like, SWIRM and MPN domains 1; minus strand). Cytogenetic location: 1p32.1.
Variant type: single nucleotide variant.
Coding change: c.508G>A on transcript NM_001085487.3 (MANE Select); coding-DNA position 508, G replaced by A.
Protein change: p.Gly170Ser; replaces glycine 170 with serine.
Molecular consequence: missense variant.
Genome position (GRCh38, 1-based): chr1:58,682,536, C>T on the plus strand (G>A on the coding strand, the complement: MYSM1 is on the minus strand). VCF-style: chr1-58682536-C-T. GRCh37 (hg19) VCF-style: chr1-59148208-C-T.
Other names: c.508G>A (NM_001085487.2); short protein forms G170S.
Identifiers: ClinVar variation 1125208 (VCV001125208.13), dbSNP rs569512271, ClinGen allele CA877993.

ClinVar aggregate classification (germline): Conflicting classifications of pathogenicity. Review status: criteria provided, conflicting classifications (1 of 4 stars). 3 submissions from 3 submitters: Uncertain significance (1); Likely benign (1). 1 of the submissions does not count toward it. Last evaluated 2025-12-16.

Conditions:
Inborn genetic diseases. Identifiers: MedGen C0950123, MeSH D030342.
MYSM1-related disorder. Also called: MYSM1-related condition.

Allele frequency attached by ClinVar (database versions not stated): gnomAD 0.00003 and 0.00012; TOPMed 0.00005; 1000 Genomes Project 30x 0.00016; 1000 Genomes Project 0.00020.
gnomAD v4.1: 247 of 1,567,544 alleles (0.016%); highest among the groups gnomAD compares: South Asian, 0.26%; 3 homozygotes.

Submissions (3):

Labcorp Genetics (formerly Invitae), Labcorp
Classification: Likely benign. Last evaluated: 2025-12-16. Review status: criteria provided, single submitter. Criteria: Invitae Variant Classification Sherloc (09022015). Collection method: clinical testing. Allele origin: germline.

Ambry Genetics
Classification: Uncertain significance for Inborn genetic diseases. Last evaluated: 2025-07-15. Review status: criteria provided, single submitter. Criteria: Ambry Variant Classification Scheme 2023. Collection method: clinical testing. Allele origin: germline.

PreventionGenetics, part of Exact Sciences
Classification: Likely benign for MYSM1-related condition. Last evaluated: 2024-01-23. Review status: no assertion criteria provided. Collection method: clinical testing. Allele origin: germline. Not counted in ClinVar's aggregate classification.
Comment: This variant is classified as likely benign based on ACMG/AMP sequence variant interpretation guidelines (Richards et al. 2015 PMID: 25741868, with internal and published modifications).